The following is an entry in ClinVar:

NM_000379.4(XDH):c.2942G>T (p.Arg981Leu)

Gene: XDH (xanthine dehydrogenase; minus strand). Cytogenetic location: 2p23.1.
Variant type: single nucleotide variant.
Coding change: c.2942G>T on transcript NM_000379.4 (MANE Select); coding-DNA position 2942, G replaced by T.
Protein change: p.Arg981Leu; replaces arginine 981 with leucine.
Molecular consequence: missense variant.
Genome position (GRCh38, 1-based): chr2:31,349,713, C>A on the plus strand (G>T on the coding strand, the complement: XDH is on the minus strand). VCF-style: chr2-31349713-C-A. GRCh37 (hg19) VCF-style: chr2-31572579-C-A.
Other names: short protein forms R981L.
Identifiers: ClinVar variation 2095631 (VCV002095631.4), dbSNP rs745427490, ClinGen allele CA1598625.

ClinVar aggregate classification (germline): Uncertain significance (1 of 4 stars; one submission).

Conditions:
Xanthinuria type II. Also called: Xanthine dehydrogenase and aldehyde oxidase combined deficiency of; XDH and AOX dual deficiency. Identifiers: Orphanet 3467, Orphanet 93602, MedGen C1863688, MONDO:0011346, OMIM 603592.

gnomAD v4.1: 21 of 1,614,178 alleles (0.0013%); highest among the groups gnomAD compares: South Asian, 0.023%; no homozygotes.

Submission:

Labcorp Genetics (formerly Invitae), Labcorp
Classification: Uncertain significance for Xanthinuria type II. Last evaluated: 2022-02-09. Review status: criteria provided, single submitter. Criteria: Invitae Variant Classification Sherloc (09022015). Collection method: clinical testing. Allele origin: germline.
Comment: This variant is present in population databases (rs745427490, gnomAD 0.02%). This sequence change replaces arginine, which is basic and polar, with leucine, which is neutral and non-polar, at codon 981 of the XDH protein (p.Arg981Leu). This variant has not been reported in the literature in individuals affected with XDH-related conditions. Algorithms developed to predict the effect of missense changes on protein structure and function (SIFT, PolyPhen-2, Align-GVGD) all suggest that this variant is likely to be disruptive. In summary, the available evidence is currently insufficient to determine the role of this variant in disease. Therefore, it has been classified as a Variant of Uncertain Significance.